The following is an entry in ClinVar:

ClinVar aggregate classification (germline): Uncertain significance (1 of 4 stars; one submission).

Conditions:
Sulfite oxidase deficiency due to molybdenum cofactor deficiency type A. Also called: Molybdenum Cofactor Deficiency A; Molybdenum cofactor deficiency, complementation group A. Identifiers: Orphanet 308386, Orphanet 833, MedGen C1854988, MONDO:0009643, OMIM 252150.

Allele frequency attached by ClinVar (database versions not stated): gnomAD exomes below 0.00001; ExAC 0.00001.
gnomAD v4.1: 7 of 1,614,206 alleles (0.00043%); highest among the groups gnomAD compares: Non-Finnish European, 0.00059%; no homozygotes.

Submission:

Labcorp Genetics (formerly Invitae), Labcorp
Classification: Uncertain significance for Sulfite oxidase deficiency due to molybdenum cofactor deficiency type A. Last evaluated: 2021-10-27. Review status: criteria provided, single submitter. Criteria: Invitae Variant Classification Sherloc (09022015). Collection method: clinical testing. Allele origin: germline.
Comment: This variant is present in population databases (rs756972656, gnomAD 0.0009%). In summary, the available evidence is currently insufficient to determine the role of this variant in disease. Therefore, it has been classified as a Variant of Uncertain Significance. Algorithms developed to predict the effect of missense changes on protein structure and function are either unavailable or do not agree on the potential impact of this missense change (SIFT: "Not Available"; PolyPhen-2: "Benign"; Align-GVGD: "Not Available"). This variant has not been reported in the literature in individuals affected with MOCS1-related conditions. This sequence change replaces proline, a(n) neutral and non-polar amino acid, with threonine, a(n) neutral and polar amino acid, at codon 475 of the MOCS1 protein (p.Pro475Thr).

NM_001358530.2(MOCS1):c.1423C>A (p.Pro475Thr)

Gene: MOCS1 (molybdenum cofactor synthesis 1; minus strand). Cytogenetic location: 6p21.2.
Variant type: single nucleotide variant.
Coding change: c.1423C>A on transcript NM_001358530.2 (MANE Select); coding-DNA position 1423, C replaced by A.
Protein change: p.Pro475Thr; replaces proline 475 with threonine.
Molecular consequence: missense variant. On other transcripts: 3 prime UTR variant (4), non-coding transcript variant (1).
Genome position (GRCh38, 1-based): chr6:39,906,845, G>T on the plus strand (C>A on the coding strand, the complement: MOCS1 is on the minus strand). VCF-style: chr6-39906845-G-T. GRCh37 (hg19) VCF-style: chr6-39874621-G-T.
Other names: c.*280C>A (NM_001075098.4, NM_001358533.2, NM_001358534.2 and 1 more transcripts); c.1375C>A, p.Pro459Thr (NM_001358529.2); c.1162C>A, p.Pro388Thr (NM_001358531.2); short protein forms P475T, P388T, P459T.
Identifiers: ClinVar variation 1347619 (VCV001347619.6), dbSNP rs756972656, ClinGen allele CA3795950.